The following is an entry in ClinVar:

NM_006231.4(POLE):c.201T>C (p.His67=)

Gene: POLE (DNA polymerase epsilon, catalytic subunit; minus strand). Cytogenetic location: 12q24.33.
Variant type: single nucleotide variant.
Coding change: c.201T>C on transcript NM_006231.4 (MANE Select); coding-DNA position 201, T replaced by C.
Protein change: p.His67=; no amino-acid change (histidine 67 retained).
Molecular consequence: synonymous variant.
Genome position (GRCh38, 1-based): chr12:132,681,141, A>G on the plus strand (T>C on the coding strand, the complement: POLE is on the minus strand). VCF-style: chr12-132681141-A-G. GRCh37 (hg19) VCF-style: chr12-133257727-A-G.
Identifiers: ClinVar variation 510660 (VCV000510660.6), dbSNP rs1555230391, ClinGen allele CA482725418.

ClinVar aggregate classification (germline): Likely benign. Review status: criteria provided, multiple submitters, no conflicts (2 of 4 stars). 3 submissions from 3 submitters: Likely benign (3). Last evaluated 2025-05-27.

Conditions:
Hereditary cancer-predisposing syndrome. Also called: Hereditary neoplastic syndrome; Hereditary Cancer Syndrome; Neoplastic Syndromes, Hereditary; Tumor predisposition. Identifiers: Orphanet 140162, MedGen C0027672, MeSH D009386, MONDO:0015356.

Allele frequency attached by ClinVar (database versions not stated): gnomAD exomes below 0.00001.
gnomAD v4.1: 1 of 1,614,100 alleles (0.000062%); highest among the groups gnomAD compares: Non-Finnish European, 0.000085%; no homozygotes.

Submissions (3):

Labcorp Genetics (formerly Invitae), Labcorp
Classification: Likely benign. Last evaluated: 2025-05-27. Review status: criteria provided, single submitter. Criteria: Invitae Variant Classification Sherloc (09022015). Collection method: clinical testing. Allele origin: germline.

Ambry Genetics
Classification: Likely benign for Hereditary cancer-predisposing syndrome. Last evaluated: 2023-04-27. Review status: criteria provided, single submitter. Criteria: Ambry Variant Classification Scheme 2023. Collection method: clinical testing. Allele origin: germline.

GeneDx
Classification: Likely benign. Last evaluated: 2017-07-03. Review status: criteria provided, single submitter. Criteria: GeneDx Variant Classification (06012015). Collection method: clinical testing. Allele origin: germline. Affected: yes.
Comment: This variant is considered likely benign or benign based on one or more of the following criteria: it is a conservative change, it occurs at a poorly conserved position in the protein, it is predicted to be benign by multiple in silico algorithms, and/or has population frequency not consistent with disease.